The following is an entry in ClinVar:

ClinVar aggregate classification (germline): Uncertain significance (1 of 4 stars; one submission).

Submission:

Labcorp Genetics (formerly Invitae), Labcorp
Classification: Uncertain significance. Last evaluated: 2022-07-19. Review status: criteria provided, single submitter. Criteria: Invitae Variant Classification Sherloc (09022015). Collection method: clinical testing. Allele origin: germline.
Comment: This sequence change replaces proline, which is neutral and non-polar, with histidine, which is basic and polar, at codon 720 of the PTPN23 protein (p.Pro720His). This variant is not present in population databases (gnomAD no frequency). This variant has not been reported in the literature in individuals affected with PTPN23-related conditions. ClinVar contains an entry for this variant (Variation ID: 1411856). Algorithms developed to predict the effect of missense changes on protein structure and function are either unavailable or do not agree on the potential impact of this missense change (SIFT: "Tolerated"; PolyPhen-2: "Not Available"; Align-GVGD: "Class C0"). In summary, the available evidence is currently insufficient to determine the role of this variant in disease. Therefore, it has been classified as a Variant of Uncertain Significance.

NM_015466.4(PTPN23):c.2159C>A (p.Pro720His)

Gene: PTPN23 (protein tyrosine phosphatase non-receptor type 23; plus strand). Cytogenetic location: 3p21.31.
Variant type: single nucleotide variant.
Coding change: c.2159C>A on transcript NM_015466.4 (MANE Select); coding-DNA position 2159, C replaced by A.
Protein change: p.Pro720His; replaces proline 720 with histidine.
Molecular consequence: missense variant.
Genome position (GRCh38, 1-based): chr3:47,409,957, C>A. VCF-style: chr3-47409957-C-A. GRCh37 (hg19) VCF-style: chr3-47451447-C-A.
Other names: c.1781C>A, p.Pro594His (NM_001304482.2); short protein forms P594H, P720H.
Identifiers: ClinVar variation 1411856 (VCV001411856.6), dbSNP rs2107721443, ClinGen allele CA352557448.